The following is an entry in ClinVar:

ClinVar aggregate classification (germline): Pathogenic (1 of 4 stars; one submission).

Conditions:
Gabriele de Vries syndrome. Identifiers: Orphanet 506358, MedGen C4479652, MONDO:0044738, OMIM 617557.

Submission:

Laboratory of Human Genetics, Universidade de São Paulo
Classification: Pathogenic for Gabriele de Vries syndrome. Last evaluated: 2024-03-11. Review status: criteria provided, single submitter. Criteria: ACMG Guidelines, 2015. Collection method: research. Allele origin: de novo. Inheritance: Autosomal dominant inheritance. Affected: yes. Observed: 1 heterozygote.
Comment: American College of Medical Genetics (ACMG) criteria: PVS1, PM2 and PM6

NM_003403.5(YY1):c.1147_1151dup (p.Cys385fs)

Gene: YY1 (YY1 transcription factor; plus strand). Cytogenetic location: 14q32.2.
Variant type: Duplication.
Coding change: c.1147_1151dup on transcript NM_003403.5 (MANE Select); coding-DNA positions 1147 to 1151, 5 bases duplicated (TATGT; older notation c.1147_1151dupTATGT).
Protein change: p.Cys385fs; shifts the reading frame from cysteine 385.
Molecular consequence: frameshift variant.
Genome position (GRCh38, 1-based): chr14:100,277,502-100,277,506, TATGT duplicated. VCF-style (leftmost placement, unchanged base first): chr14-100277501-C-CTATGT. GRCh37 (hg19) VCF-style: chr14-100743838-C-CTATGT.
Other names: short protein forms C385fs.
Identifiers: ClinVar variation 3236170 (VCV003236170.2), dbSNP rs2549139353, ClinGen allele CA2825002231.